The following is an entry in ClinVar:

ClinVar aggregate classification (germline): Uncertain significance (1 of 4 stars; one submission).

Submission:

Labcorp Genetics (formerly Invitae), Labcorp
Classification: Uncertain significance. Last evaluated: 2021-09-08. Review status: criteria provided, single submitter. Criteria: Invitae Variant Classification Sherloc (09022015). Collection method: clinical testing. Allele origin: germline.
Comment: In summary, the available evidence is currently insufficient to determine the role of this variant in disease. Therefore, it has been classified as a Variant of Uncertain Significance. Algorithms developed to predict the effect of missense changes on protein structure and function are either unavailable or do not agree on the potential impact of this missense change (SIFT: "Deleterious"; PolyPhen-2: "Possibly Damaging"; Align-GVGD: "Class C0"). This variant has not been reported in the literature in individuals affected with SPEG-related conditions. The frequency data for this variant in the population databases is considered unreliable, as metrics indicate insufficient coverage at this position in the ExAC database. This sequence change replaces arginine with proline at codon 2076 of the SPEG protein (p.Arg2076Pro). The arginine residue is highly conserved and there is a moderate physicochemical difference between arginine and proline.

NM_005876.5(SPEG):c.6227G>C (p.Arg2076Pro)

Genes: ASIC4-AS1 (ASIC4 antisense RNA 1; minus strand), SPEG (striated muscle enriched protein kinase; plus strand). Cytogenetic location: 2q35.
Variant type: single nucleotide variant.
Coding change: c.6227G>C on transcript NM_005876.5 (MANE Select); coding-DNA position 6227, G replaced by C.
Protein change: p.Arg2076Pro; replaces arginine 2076 with proline.
Molecular consequence: missense variant.
Genome position (GRCh38, 1-based): chr2:219,483,690, G>C. VCF-style: chr2-219483690-G-C. GRCh37 (hg19) VCF-style: chr2-220348412-G-C.
Other names: short protein forms R2076P.
Identifiers: ClinVar variation 1518008 (VCV001518008.6), dbSNP rs1404227254, ClinGen allele CA350697122.